The following is an entry in ClinVar:

ClinVar aggregate classification (germline): Uncertain significance (1 of 4 stars; one submission).

Submission:

GeneDx
Classification: Uncertain significance. Last evaluated: 2026-03-29. Review status: criteria provided, single submitter. Criteria: GeneDx Variant Classification Process June 2021. Collection method: clinical testing. Allele origin: germline.
Comment: Not observed at significant frequency in large population cohorts (gnomAD); In silico analysis supports that this missense variant has a deleterious effect on protein structure/function; Has not been previously published as pathogenic or benign to our knowledge

NM_002971.6(SATB1):c.139A>G (p.Ser47Gly)

Gene: SATB1 (SATB homeobox 1; minus strand). Cytogenetic location: 3p24.3.
Variant type: single nucleotide variant.
Coding change: c.139A>G on transcript NM_002971.6 (MANE Select); coding-DNA position 139, A replaced by G.
Protein change: p.Ser47Gly; replaces serine 47 with glycine.
Molecular consequence: missense variant. On other transcripts: intron variant (1).
Genome position (GRCh38, 1-based): chr3:18,420,829, T>C on the plus strand (A>G on the coding strand, the complement: SATB1 is on the minus strand). VCF-style: chr3-18420829-T-C. GRCh37 (hg19) VCF-style: chr3-18462321-T-C.
Other names: c.139A>G, p.Ser47Gly (NM_001131010.4, NM_001195470.3, NM_001322871.2 and 4 more transcripts); c.-5-3751A>G (NM_001322876.2); short protein forms S47G.
Identifiers: ClinVar variation 5017806 (VCV005017806.1).